The following is an entry in ClinVar:

NM_001370658.1(BTD):c.1254T>A (p.Tyr418Ter)

Gene: BTD (biotinidase; plus strand). Cytogenetic location: 3p25.1.
Variant type: single nucleotide variant.
Coding change: c.1254T>A on transcript NM_001370658.1 (MANE Select); coding-DNA position 1254, T replaced by A.
Protein change: p.Tyr418Ter; replaces tyrosine 418 with a stop codon.
Molecular consequence: nonsense. On other transcripts: intron variant (2).
Genome position (GRCh38, 1-based): chr3:15,645,170, T>A. VCF-style: chr3-15645170-T-A. GRCh37 (hg19) VCF-style: chr3-15686677-T-A.
Other names: c.1314T>A, p.Tyr438Ter (NM_000060.4); c.1254T>A, p.Tyr418Ter (NM_001281723.4, NM_001281724.3, NM_001281725.3 and 16 more transcripts); c.1015+239T>A (NM_001370752.1); c.399+3113T>A (NM_001370753.1); short protein forms Y418*.
Identifiers: ClinVar variation 25080 (VCV000025080.17), dbSNP rs397514416, ClinGen allele CA278326.

ClinVar aggregate classification (germline): Pathogenic. Review status: criteria provided, multiple submitters, no conflicts (2 of 4 stars). 5 submissions from 5 submitters: Pathogenic (4). 1 of the submissions does not count toward it. Last evaluated 2025-11-01.

Conditions:
Biotinidase deficiency. Also called: Biotin deficiency; BTD deficiency; Late-onset biotin-responsive multiple carboxylase deficiency. Identifiers: Orphanet 79241, MedGen C0220754, MONDO:0009665, OMIM 253260.

Allele frequency attached by ClinVar (database versions not stated): TOPMed below 0.00001.

Submissions (5):

CeGaT Center for Human Genetics Tuebingen
Classification: Pathogenic. Last evaluated: 2025-11-01. Review status: criteria provided, single submitter. Criteria: CeGaT Center For Human Genetics Tuebingen Variant Classification Criteria Version 2. Collection method: clinical testing. Allele origin: germline. Affected: yes. Observed: 1 variant allele.
Comment: BTD: PM3:Strong, PVS1:Strong, PM2

Labcorp Genetics (formerly Invitae), Labcorp
Classification: Pathogenic for Biotinidase deficiency. Last evaluated: 2023-02-11. Review status: criteria provided, single submitter. Criteria: Invitae Variant Classification Sherloc (09022015). Collection method: clinical testing. Allele origin: germline.
Comment: This sequence change creates a premature translational stop signal (p.Tyr438*) in the BTD gene. While this is not anticipated to result in nonsense mediated decay, it is expected to disrupt the last 106 amino acid(s) of the BTD protein. This variant is not present in population databases (gnomAD no frequency). This premature translational stop signal has been observed in individuals with biotinidase deficiency (PMID: 15060693, 30912303). ClinVar contains an entry for this variant (Variation ID: 25080). This variant disrupts a region of the BTD protein in which other variant(s) (p.His485Gln) have been determined to be pathogenic (PMID: 25967232, 26810761, 30912303; Invitae). This suggests that this is a clinically significant region of the protein, and that variants that disrupt it are likely to be disease-causing. For these reasons, this variant has been classified as Pathogenic.

Baylor Genetics
Classification: Pathogenic for Biotinidase deficiency. Last evaluated: 2022-09-07. Review status: criteria provided, single submitter. Criteria: ACMG Guidelines, 2015. Collection method: clinical testing. Allele origin: unknown.

GeneDx
Classification: Pathogenic. Last evaluated: 2022-03-04. Review status: criteria provided, single submitter. Criteria: GeneDx Variant Classification Process June 2021. Collection method: clinical testing. Allele origin: germline. Affected: yes.
Comment: Not observed at significant frequency in large population cohorts (gnomAD); Nonsense variant in the C-terminus predicted to result in protein truncation, as the last 106 amino acids are lost, and other loss-of-function variants have been reported downstream in HGMD; This variant is associated with the following publications: (PMID: 30912303, 15060693)

Counsyl
Classification: Likely pathogenic for Biotinidase deficiency. Last evaluated: 2014-11-14. Review status: no assertion criteria provided. Collection method: literature only. Allele origin: unknown. Inheritance: Autosomal recessive inheritance. Not counted in ClinVar's aggregate classification.

Literature cited by the submitters: PubMed 15060693 (cited by Labcorp Genetics (formerly Invitae), Labcorp and Counsyl); PubMed 30912303 (cited by Labcorp Genetics (formerly Invitae), Labcorp); PubMed 25967232 (cited by Labcorp Genetics (formerly Invitae), Labcorp); PubMed 26810761 (cited by Labcorp Genetics (formerly Invitae), Labcorp); PubMed 11380987 (cited by Counsyl).